The following is an entry in ClinVar:

ClinVar aggregate classification (germline): Uncertain significance (1 of 4 stars; one submission).

Submission:

Labcorp Genetics (formerly Invitae), Labcorp
Classification: Uncertain significance. Last evaluated: 2022-12-24. Review status: criteria provided, single submitter. Criteria: Invitae Variant Classification Sherloc (09022015). Collection method: clinical testing. Allele origin: germline.
Comment: This sequence change replaces valine, which is neutral and non-polar, with methionine, which is neutral and non-polar, at codon 116 of the PNLIP protein (p.Val116Met). In summary, the available evidence is currently insufficient to determine the role of this variant in disease. Therefore, it has been classified as a Variant of Uncertain Significance. Advanced modeling of protein sequence and biophysical properties (such as structural, functional, and spatial information, amino acid conservation, physicochemical variation, residue mobility, and thermodynamic stability) performed at Invitae indicates that this missense variant is expected to disrupt PNLIP protein function. This variant has not been reported in the literature in individuals affected with PNLIP-related conditions. This variant is not present in population databases (gnomAD no frequency).

NM_000936.4(PNLIP):c.346G>A (p.Val116Met)

Gene: PNLIP (pancreatic lipase; plus strand). Cytogenetic location: 10q25.3.
Variant type: single nucleotide variant.
Coding change: c.346G>A on transcript NM_000936.4 (MANE Select); coding-DNA position 346, G replaced by A.
Protein change: p.Val116Met; replaces valine 116 with methionine.
Molecular consequence: missense variant.
Genome position (GRCh38, 1-based): chr10:116,551,119, G>A. VCF-style: chr10-116551119-G-A. GRCh37 (hg19) VCF-style: chr10-118310631-G-A.
Other names: short protein forms V116M.
Identifiers: ClinVar variation 2823907 (VCV002823907.3), dbSNP rs759952490, ClinGen allele CA378492483.